The following is an entry in ClinVar:

ClinVar aggregate classification (germline): Uncertain significance (1 of 4 stars; one submission).

Conditions:
Intellectual disability, autosomal recessive 53 (NEDHSCA). Also called: NEURODEVELOPMENTAL DISORDER WITH OR WITHOUT HYPOTONIA, SEIZURES, AND CEREBELLAR ATROPHY; GLYCOSYLPHOSPHATIDYLINOSITOL BIOSYNTHESIS DEFECT 13; Mental retardation, autosomal recessive 53. Identifiers: Orphanet 488635, MedGen C4310794, MONDO:0014832, OMIM 616917.

Allele frequency attached by ClinVar (database versions not stated): gnomAD exomes 0.00001 and 0.00002; ExAC 0.00002; gnomAD 0.00006; TOPMed 0.00006; 1000 Genomes Project 30x 0.00016; 1000 Genomes Project 0.00020.
gnomAD v4.1: 19 of 1,611,350 alleles (0.0012%); highest among the groups gnomAD compares: African/African-American, 0.017%; no homozygotes.

Submission:

Labcorp Genetics (formerly Invitae), Labcorp
Classification: Uncertain significance for Intellectual disability, autosomal recessive 53. Last evaluated: 2024-02-17. Review status: criteria provided, single submitter. Criteria: Invitae Variant Classification Sherloc (09022015). Collection method: clinical testing. Allele origin: germline.
Comment: This sequence change replaces arginine, which is basic and polar, with cysteine, which is neutral and slightly polar, at codon 942 of the PIGG protein (p.Arg942Cys). This variant is present in population databases (rs532389677, gnomAD 0.02%). This variant has not been reported in the literature in individuals affected with PIGG-related conditions. ClinVar contains an entry for this variant (Variation ID: 476344). Advanced modeling of protein sequence and biophysical properties (such as structural, functional, and spatial information, amino acid conservation, physicochemical variation, residue mobility, and thermodynamic stability) performed at Invitae indicates that this missense variant is expected to disrupt PIGG protein function with a positive predictive value of 80%. In summary, the available evidence is currently insufficient to determine the role of this variant in disease. Therefore, it has been classified as a Variant of Uncertain Significance.

NM_001127178.3(PIGG):c.2824C>T (p.Arg942Cys)

Gene: PIGG (phosphatidylinositol glycan anchor biosynthesis class G (EMM blood group); plus strand). Cytogenetic location: 4p16.3.
Variant type: single nucleotide variant.
Coding change: c.2824C>T on transcript NM_001127178.3 (MANE Select); coding-DNA position 2824, C replaced by T.
Protein change: p.Arg942Cys; replaces arginine 942 with cysteine.
Molecular consequence: missense variant. On other transcripts: non-coding transcript variant (10).
Genome position (GRCh38, 1-based): chr4:539,241, C>T. VCF-style: chr4-539241-C-T. GRCh37 (hg19) VCF-style: chr4-533030-C-T.
Other names: c.2557C>T, p.Arg853Cys (NM_001289051.2, NM_001345986.2); c.2425C>T, p.Arg809Cys (NM_001289052.2); c.2533C>T, p.Arg845Cys (NM_001345987.2); c.1795C>T, p.Arg599Cys (NM_001345988.2); c.1291C>T, p.Arg431Cys (NM_001345990.2, NM_001345991.2); c.1726C>T, p.Arg576Cys (NM_001345994.2); c.2800C>T, p.Arg934Cys (NM_017733.5); short protein forms R942C, R599C, R431C, R809C, R853C, R934C, R576C, R845C.
Identifiers: ClinVar variation 476344 (VCV000476344.9), dbSNP rs532389677, ClinGen allele CA2793767.